The following is an entry in ClinVar:

NM_004453.4(ETFDH):c.814G>A (p.Gly272Arg)

Gene: ETFDH (electron transfer flavoprotein dehydrogenase; plus strand). Cytogenetic location: 4q32.1.
Variant type: single nucleotide variant.
Coding change: c.814G>A on transcript NM_004453.4 (MANE Select); coding-DNA position 814, G replaced by A.
Protein change: p.Gly272Arg; replaces glycine 272 with arginine.
Molecular consequence: missense variant.
Genome position (GRCh38, 1-based): chr4:158,695,626, G>A. VCF-style: chr4-158695626-G-A. GRCh37 (hg19) VCF-style: chr4-159616778-G-A.
Other names: c.673G>A, p.Gly225Arg (NM_001281737.2); c.631G>A, p.Gly211Arg (NM_001281738.1); short protein forms G211R, G272R, G225R.
Identifiers: ClinVar variation 848248 (VCV000848248.13), dbSNP rs763541530, ClinGen allele CA3122450.

ClinVar aggregate classification (germline): Pathogenic/Likely pathogenic. Review status: criteria provided, multiple submitters, no conflicts (2 of 4 stars). 6 submissions from 6 submitters: Pathogenic (1); Likely pathogenic (5). Last evaluated 2025-01-23.

Conditions:
Glutaric acidemia type 2C.
Multiple acyl-CoA dehydrogenase deficiency (MADD). Also called: Glutaric aciduria, type 2; Glutaric Acidemia type 2; ETHYLMALONIC-ADIPICACIDURIA; GA II; Glutaric acidemia type II; GA 2. Identifiers: Orphanet 26791, MedGen C0268596, MONDO:0009282, OMIM 231680.

Allele frequency attached by ClinVar (database versions not stated): gnomAD exomes below 0.00001; ExAC 0.00001; gnomAD 0.00001; TOPMed 0.00001.
gnomAD v4.1: 2 of 1,610,096 alleles (0.00012%); highest among the groups gnomAD compares: Non-Finnish European, 0.00017%; no homozygotes.

Submissions (6):

Natera, Inc.
Classification: Likely pathogenic for Glutaric acidemia type 2C. Last evaluated: 2025-01-23. Review status: criteria provided, single submitter. Criteria: Natera Variant Classification Schema (03/2026). Collection method: clinical testing. Allele origin: germline.
Comment: The c.814G>A variant in ETFDH is a missense variant predicted to cause substitution of glycine to arginine at amino acid 272. This variant is rare in the general population with a frequency below the threshold expected for the associated phenotype(s). This variant has been observed in one or more individuals affected with the associated recessive disease, as either homozygous or compound heterozygous with a second variant (PMID: 32793418, 32007756, 28914566). Computational prediction algorithms indicate this variant is likely to affect gene or protein function. Given the available evidence, this variant is classified as Likely Pathogenic.

Kariminejad - Najmabadi Pathology & Genetics Center
Classification: Likely pathogenic for Multiple acyl-CoA dehydrogenase deficiency. Last evaluated: 2024-08-03. Review status: criteria provided, single submitter. Criteria: ACMG Guidelines, 2015. Collection method: clinical testing. Allele origin: germline. Inheritance: Autosomal recessive inheritance. Affected: yes.
Comment: PM1,PP2,PP3(Moderate),PM3,PM2

Labcorp Genetics (formerly Invitae), Labcorp
Classification: Likely pathogenic for Multiple acyl-CoA dehydrogenase deficiency. Last evaluated: 2024-02-17. Review status: criteria provided, single submitter. Criteria: Invitae Variant Classification Sherloc (09022015). Collection method: clinical testing. Allele origin: germline.
Comment: This sequence change replaces glycine, which is neutral and non-polar, with arginine, which is basic and polar, at codon 272 of the ETFDH protein (p.Gly272Arg). This variant is present in population databases (rs763541530, gnomAD 0.0009%). This missense change has been observed in individual(s) with clinical features of multiple Acyl-CoA dehydrogenase deficiency (PMID: 17977044, 28914566, 32007756). ClinVar contains an entry for this variant (Variation ID: 848248). Advanced modeling of protein sequence and biophysical properties (such as structural, functional, and spatial information, amino acid conservation, physicochemical variation, residue mobility, and thermodynamic stability) performed at Invitae indicates that this missense variant is expected to disrupt ETFDH protein function with a positive predictive value of 80%. In summary, the currently available evidence indicates that the variant is pathogenic, but additional data are needed to prove that conclusively. Therefore, this variant has been classified as Likely Pathogenic.

Baylor Genetics
Classification: Pathogenic for Multiple acyl-CoA dehydrogenase deficiency. Last evaluated: 2023-03-05. Review status: criteria provided, single submitter. Criteria: ACMG Guidelines, 2015. Collection method: clinical testing. Allele origin: unknown.

Department of Pathology and Laboratory Medicine, Sinai Health System
Classification: Likely pathogenic for Multiple acyl-CoA dehydrogenase deficiency. Last evaluated: 2020-07-10. Review status: criteria provided, single submitter. Criteria: ACMG Guidelines, 2015. Collection method: research. Allele origin: germline.

GeneDx
Classification: Likely pathogenic. Last evaluated: 2020-04-15. Review status: criteria provided, single submitter. Criteria: GeneDx Variant Classification Process June 2021. Collection method: clinical testing. Allele origin: germline. Affected: yes.
Comment: Not observed at a significant frequency in large population cohorts (Lek et al., 2016); In silico analysis supports that this missense variant has a deleterious effect on protein structure/function; This variant is associated with the following publications: (PMID: 30948559, 26990548, 17977044, 28914566, 32007756)

Literature cited by the submitters: PubMed 32793418 (cited by Natera, Inc.); PubMed 32007756 (cited by Natera, Inc. and Labcorp Genetics (formerly Invitae), Labcorp); PubMed 28914566 (cited by Natera, Inc. and Labcorp Genetics (formerly Invitae), Labcorp); PubMed 17977044 (cited by Labcorp Genetics (formerly Invitae), Labcorp).